The following is an entry in ClinVar:

ClinVar aggregate classification (germline): Uncertain significance (1 of 4 stars; one submission).

Conditions:
Hereditary cancer-predisposing syndrome. Also called: Neoplastic Syndromes, Hereditary; Tumor predisposition; Hereditary Cancer Syndrome; Hereditary neoplastic syndrome. Identifiers: Orphanet 140162, MedGen C0027672, MeSH D009386, MONDO:0015356.

Submission:

Ambry Genetics
Classification: Uncertain significance for Hereditary cancer-predisposing syndrome. Last evaluated: 2019-08-09. Review status: criteria provided, single submitter. Criteria: Ambry Variant Classification Scheme 2023. Collection method: clinical testing. Allele origin: germline.
Comment: The p.I251T variant (also known as c.752T>C), located in coding exon 4 of the MSH6 gene, results from a T to C substitution at nucleotide position 752. The isoleucine at codon 251 is replaced by threonine, an amino acid with similar properties. This amino acid position is not well conserved in available vertebrate species. In addition, this alteration is predicted to be tolerated by in silico analysis. Since supporting evidence is limited at this time, the clinical significance of this alteration remains unclear.

NM_000179.3(MSH6):c.752T>C (p.Ile251Thr)

Gene: MSH6 (mutS homolog 6; plus strand). Cytogenetic location: 2p16.3.
Variant type: single nucleotide variant.
Coding change: c.752T>C on transcript NM_000179.3 (MANE Select); coding-DNA position 752, T replaced by C.
Protein change: p.Ile251Thr; replaces isoleucine 251 with threonine.
Molecular consequence: missense variant. On other transcripts: 5 prime UTR variant (2).
Genome position (GRCh38, 1-based): chr2:47,798,735, T>C. VCF-style: chr2-47798735-T-C. GRCh37 (hg19) VCF-style: chr2-48025874-T-C.
Other names: c.362T>C, p.Ile121Thr (NM_001281492.2); c.-155T>C (NM_001281493.2, NM_001281494.2, NM_001406811.1 and 6 more transcripts); c.848T>C, p.Ile283Thr (NM_001406795.1, NM_001406802.1); c.752T>C, p.Ile251Thr (NM_001406796.1, NM_001406798.1, NM_001406800.1 and 4 more transcripts); c.455T>C, p.Ile152Thr (NM_001406797.1, NM_001406801.1, NM_001406805.1 and 10 more transcripts); c.227T>C, p.Ile76Thr (NM_001406799.1, NM_001406806.1, NM_001406807.1); c.674T>C, p.Ile225Thr (NM_001406804.1); c.758T>C, p.Ile253Thr (NM_001406813.1); and 1 more; short protein forms I225T, I253T, I283T, I152T, I251T, I121T, I76T, I195T.
Identifiers: ClinVar variation 1759382 (VCV001759382.2), dbSNP rs2104295471, ClinGen allele CA346740130.